The following is an entry in ClinVar:

NM_000368.5(TSC1):c.871G>A (p.Asp291Asn)

Gene: TSC1 (TSC complex subunit 1; minus strand). Cytogenetic location: 9q34.13.
Variant type: single nucleotide variant.
Coding change: c.871G>A on transcript NM_000368.5 (MANE Select); coding-DNA position 871, G replaced by A.
Protein change: p.Asp291Asn; replaces aspartic acid 291 with asparagine.
Molecular consequence: missense variant.
Genome position (GRCh38, 1-based): chr9:132,912,324, C>T on the plus strand (G>A on the coding strand, the complement: TSC1 is on the minus strand). VCF-style: chr9-132912324-C-T. GRCh37 (hg19) VCF-style: chr9-135787711-C-T.
Other names: c.871G>A, p.Asp291Asn (NM_001162426.2); c.718G>A, p.Asp240Asn (NM_001162427.2); c.508G>A, p.Asp170Asn (NM_001362177.2); short protein forms D291N, D170N, D240N.
Identifiers: ClinVar variation 582525 (VCV000582525.14), dbSNP rs755195460, ClinGen allele CA039276.

ClinVar aggregate classification (germline): Conflicting classifications of pathogenicity. Review status: criteria provided, conflicting classifications (1 of 4 stars). 3 submissions from 3 submitters: Uncertain significance (2); Likely benign (1). Last evaluated 2025-08-17.

Conditions:
Tuberous sclerosis syndrome (TSC). Also called: Tuberous Sclerosis Complex; Tuberous sclerosis. Identifiers: Orphanet 805, MedGen C0041341, MONDO:0001734.
Hereditary cancer-predisposing syndrome. Also called: Hereditary neoplastic syndrome; Neoplastic Syndromes, Hereditary; Hereditary Cancer Syndrome; Tumor predisposition. Identifiers: Orphanet 140162, MedGen C0027672, MeSH D009386, MONDO:0015356.
Tuberous sclerosis 1 (TSC1). Identifiers: Orphanet 805, MedGen C1854465, MONDO:0008612, OMIM 191100.

Allele frequency attached by ClinVar (database versions not stated): gnomAD exomes below 0.00001 and 0.00002; TOPMed below 0.00001; ExAC 0.00001; gnomAD 0.00001.
gnomAD v4.1: 24 of 1,614,070 alleles (0.0015%); highest among the groups gnomAD compares: African/African-American, 0.0027%; no homozygotes.

Submissions (3):

Labcorp Genetics (formerly Invitae), Labcorp
Classification: Likely benign for Tuberous sclerosis 1. Last evaluated: 2025-08-17. Review status: criteria provided, single submitter. Criteria: Invitae Variant Classification Sherloc (09022015). Collection method: clinical testing. Allele origin: germline.

Ambry Genetics
Classification: Uncertain significance for Hereditary cancer-predisposing syndrome. Last evaluated: 2025-05-05. Review status: criteria provided, single submitter. Criteria: Ambry Variant Classification Scheme 2023. Collection method: clinical testing. Allele origin: germline.
Comment: The p.D291N variant (also known as c.871G>A), located in coding exon 7 of the TSC1 gene, results from a G to A substitution at nucleotide position 871. The aspartic acid at codon 291 is replaced by asparagine, an amino acid with highly similar properties. This amino acid position is well conserved in available vertebrate species. In addition, the in silico prediction for this alteration is inconclusive. Since supporting evidence is limited at this time, the clinical significance of this alteration remains unclear.

All of Us Research Program, National Institutes of Health
Classification: Uncertain significance for Tuberous sclerosis syndrome. Last evaluated: 2023-06-15. Review status: criteria provided, single submitter. Criteria: ACMG Guidelines, 2015. Collection method: clinical testing. Allele origin: germline. Inheritance: Autosomal dominant inheritance. Observed: 1 variant allele, 1 heterozygote.
Comment: This missense variant replaces aspartic acid with asparagine at codon 291 of the TSC1 protein. Computational prediction suggests that this variant may not impact protein structure and function (internally defined REVEL score threshold <= 0.5, PMID: 27666373). To our knowledge, functional studies have not been reported for this variant. This variant has not been reported in individuals affected with hereditary cancer in the literature. This variant has been identified in 1/251286 chromosomes in the general population by the Genome Aggregation Database (gnomAD). The available evidence is insufficient to determine the role of this variant in disease conclusively. Therefore, this variant is classified as a Variant of Uncertain Significance.

This study involves interpretation of variants in research participants for the purpose of population health screening. Participant phenotype was not available at the time of variant classification. Additional details can be found in publication PMID: 35346344, PMCID: PMC8962531